The following is an entry in ClinVar:

NM_182925.5(FLT4):c.3230C>A (p.Pro1077His)

Gene: FLT4 (fms related receptor tyrosine kinase 4; minus strand). Cytogenetic location: 5q35.3.
Variant type: single nucleotide variant.
Coding change: c.3230C>A on transcript NM_182925.5 (MANE Select); coding-DNA position 3230, C replaced by A.
Protein change: p.Pro1077His; replaces proline 1077 with histidine.
Molecular consequence: missense variant.
Genome position (GRCh38, 1-based): chr5:180,614,169, G>T on the plus strand (C>A on the coding strand, the complement: FLT4 is on the minus strand). VCF-style: chr5-180614169-G-T. GRCh37 (hg19) VCF-style: chr5-180041169-G-T.
Other names: c.3230C>A, p.Pro1077His (NM_001354989.2, NM_002020.5); short protein forms P1077H.
Identifiers: ClinVar variation 4985323 (VCV004985323.1).

ClinVar aggregate classification (germline): Uncertain significance (1 of 4 stars; one submission).

Conditions:
FLT4-related disorder. Also called: FLT4-related condition.

Submission:

PreventionGenetics, part of Exact Sciences
Classification: Uncertain significance for FLT4-related condition. Last evaluated: 2025-12-19. Review status: criteria provided, single submitter. Criteria: ACMG Guidelines, 2015. Collection method: clinical testing. Allele origin: germline.
Comment: The FLT4 c.3230C>A variant is predicted to result in the amino acid substitution p.Pro1077His. To our knowledge, this variant has not been reported in the literature or in a large population database (gnomAD), indicating this variant is rare. An alternate substitution impacting the same nucleotide (c.3230C>T, p.Pro1077Leu) has been reported in a patient with lower limb lymphedema (Table 1, Liu et al. 2021. PubMed ID: 34681005). At this time, the clinical significance of this variant is uncertain due to the absence of conclusive functional and genetic evidence.